The following is an entry in ClinVar:

ClinVar aggregate classification (germline): Uncertain significance. Review status: criteria provided, multiple submitters, no conflicts (2 of 4 stars). 2 submissions from 2 submitters: Uncertain significance (2). Last evaluated 2024-06-15.

Conditions:
Hereditary cancer-predisposing syndrome. Also called: Neoplastic Syndromes, Hereditary; Hereditary Cancer Syndrome; Hereditary neoplastic syndrome; Tumor predisposition. Identifiers: Orphanet 140162, MedGen C0027672, MeSH D009386, MONDO:0015356.
Familial adenomatous polyposis 1 (FAP1). Also called: POLYPOSIS, ADENOMATOUS INTESTINAL; FAMILIAL ADENOMATOUS POLYPOSIS 1, ATTENUATED. Identifiers: MedGen C2713442, MONDO:0021056, OMIM 175100. Disease mechanism: loss of function.

Allele frequency attached by ClinVar (database versions not stated): gnomAD exomes below 0.00001.
gnomAD v4.1: 2 of 1,614,154 alleles (0.00012%); highest among the groups gnomAD compares: Non-Finnish European, 0.00017%; no homozygotes.

Submissions (2):

Labcorp Genetics (formerly Invitae), Labcorp
Classification: Uncertain significance for Familial adenomatous polyposis 1. Last evaluated: 2024-06-15. Review status: criteria provided, single submitter. Criteria: Invitae Variant Classification Sherloc (09022015). Collection method: clinical testing. Allele origin: germline.
Comment: This sequence change replaces glutamine, which is neutral and polar, with proline, which is neutral and non-polar, at codon 1627 of the APC protein (p.Gln1627Pro). This variant is not present in population databases (gnomAD no frequency). This variant has not been reported in the literature in individuals affected with APC-related conditions. ClinVar contains an entry for this variant (Variation ID: 2561167). Advanced modeling of protein sequence and biophysical properties (such as structural, functional, and spatial information, amino acid conservation, physicochemical variation, residue mobility, and thermodynamic stability) performed at Invitae indicates that this missense variant is not expected to disrupt APC protein function with a negative predictive value of 95%. In summary, the available evidence is currently insufficient to determine the role of this variant in disease. Therefore, it has been classified as a Variant of Uncertain Significance.

Ambry Genetics
Classification: Uncertain significance for Hereditary cancer-predisposing syndrome. Last evaluated: 2023-04-18. Review status: criteria provided, single submitter. Criteria: Ambry Variant Classification Scheme 2023. Collection method: clinical testing. Allele origin: germline.
Comment: The p.Q1627P variant (also known as c.4880A>C), located in coding exon 15 of the APC gene, results from an A to C substitution at nucleotide position 4880. The glutamine at codon 1627 is replaced by proline, an amino acid with similar properties. This amino acid position is conserved. In addition, in silico predictors for this gene do not accurately predict pathogenicity. Since supporting evidence is limited at this time, the clinical significance of this alteration remains unclear.

NM_000038.6(APC):c.4880A>C (p.Gln1627Pro)

Gene: APC (APC regulator of Wnt signaling pathway; plus strand). Cytogenetic location: 5q22.2.
Variant type: single nucleotide variant.
Coding change: c.4880A>C on transcript NM_000038.6 (MANE Select); coding-DNA position 4880, A replaced by C.
Protein change: p.Gln1627Pro; replaces glutamine 1627 with proline.
Molecular consequence: missense variant. On other transcripts: non-coding transcript variant (2).
Genome position (GRCh38, 1-based): chr5:112,840,474, A>C. VCF-style: chr5-112840474-A-C. GRCh37 (hg19) VCF-style: chr5-112176171-A-C.
Other names: c.4880A>C, p.Gln1627Pro (NM_001127510.3, NM_001354895.2, NM_001407450.1); c.4826A>C, p.Gln1609Pro (NM_001127511.3); c.4934A>C, p.Gln1645Pro (NM_001354896.2, NM_001407447.1, NM_001407448.1 and 1 more transcripts); c.4910A>C, p.Gln1637Pro (NM_001354897.2); c.4805A>C, p.Gln1602Pro (NM_001354898.2); c.4796A>C, p.Gln1599Pro (NM_001354899.2); c.4757A>C, p.Gln1586Pro (NM_001354900.2); c.4703A>C, p.Gln1568Pro (NM_001354901.2, NM_001407453.1); and 11 more; short protein forms Q1243P, Q1544P, Q1568P, Q1586P, Q1609P, Q1501P, Q1536P, Q1599P.
Identifiers: ClinVar variation 2561167 (VCV002561167.4), dbSNP rs2149926338, ClinGen allele CA16032023.